The following is an entry in ClinVar:

ClinVar aggregate classification (germline): Pathogenic (1 of 4 stars; one submission).

Conditions:
Oto-palato-digital syndrome, type II (OPD2). Also called: FACIOPALATOOSSEOUS SYNDROME; OPD II SYNDROME; Otopalatodigital Syndrome, Type II; Otopalatodigital Syndrome Type 2 (FLNA-OPD2). Identifiers: Orphanet 669, Orphanet 90652, MedGen C1844696, MONDO:0010571, OMIM 304120.
Heterotopia, periventricular, X-linked dominant (PVNH1). Also called: PERIVENTRICULAR NODULAR HETEROTOPIA 1; X-linked periventricular heterotopia; PERIVENTRICULAR NODULAR HETEROTOPIA 4; HETEROTOPIA, PERIVENTRICULAR, 1. Identifiers: Orphanet 2149, Orphanet 82004, MedGen C1848213, MONDO:0010233, OMIM 300049.
Frontometaphyseal dysplasia (FMD1). Identifiers: Orphanet 1826, MedGen C0265293, MONDO:0015942.
Melnick-Needles syndrome (MNS). Also called: MELNICK-NEEDLES OSTEODYSPLASTY; OSTEODYSPLASTY OF MELNICK AND NEEDLES; Melnick-Needles Syndrome (FLNA-MNS). Identifiers: Orphanet 2484, MedGen C0025237, MONDO:0010650, OMIM 309350.

Submission:

Labcorp Genetics (formerly Invitae), Labcorp
Classification: Pathogenic for Oto-palato-digital syndrome, type II; Heterotopia, periventricular, X-linked dominant; Frontometaphyseal dysplasia; Melnick-Needles syndrome. Last evaluated: 2023-02-25. Review status: criteria provided, single submitter. Criteria: Invitae Variant Classification Sherloc (09022015). Collection method: clinical testing. Allele origin: germline.
Comment: This sequence change creates a premature translational stop signal (p.Gly509Leufs*6) in the FLNA gene. It is expected to result in an absent or disrupted protein product. Loss-of-function variants in FLNA are known to be pathogenic (PMID: 16684786, 20730588, 26471271). This variant is not present in population databases (gnomAD no frequency). For these reasons, this variant has been classified as Pathogenic. This variant has not been reported in the literature in individuals affected with FLNA-related conditions.

Literature cited by the submitters: PubMed 16684786; PubMed 20730588; PubMed 26471271.

NM_001110556.2(FLNA):c.1525_1528del (p.Gly509fs)

Gene: FLNA (filamin A; minus strand). Cytogenetic location: Xq28.
Variant type: Deletion.
Coding change: c.1525_1528del on transcript NM_001110556.2 (MANE Select); coding-DNA positions 1525 to 1528, 4 bases deleted (GGCG; older notation c.1525_1528delGGCG).
Protein change: p.Gly509fs; shifts the reading frame from glycine 509.
Molecular consequence: frameshift variant.
Genome position (GRCh38, 1-based): chrX:154,365,388-154,365,391, CGCC deleted on the plus strand (GGCG on the coding strand, the reverse complement: FLNA is on the minus strand); deleting any 4 consecutive bases within chrX:154,365,388-154,365,392 gives the same sequence; the c. name uses the placement nearest the transcript's 3' end. VCF-style (leftmost placement, unchanged base first): chrX-154365387-GCGCC-G. GRCh37 (hg19) VCF-style: chrX-153593755-GCGCC-G.
Other names: c.1525_1528del, p.Gly509fs (NM_001456.4); short protein forms G509fs.
Identifiers: ClinVar variation 2944733 (VCV002944733.3), dbSNP rs2522757689, ClinGen allele CA2740090170.